The following is an entry in ClinVar:

ClinVar aggregate classification (germline): Uncertain significance (1 of 4 stars; one submission).

Submission:

Women's Health and Genetics/Laboratory Corporation of America, LabCorp
Classification: Uncertain significance. Last evaluated: 2026-02-25. Review status: criteria provided, single submitter. Criteria: LabCorp Variant Classification Summary - May 2015. Collection method: clinical testing. Allele origin: germline.
Comment: Variant summary: NOTCH3 c.1256G>T (p.Cys419Phe) results in a non-conservative amino acid change in the encoded protein sequence. Algorithms developed to predict the effect of missense changes on protein structure and function all suggest that this variant is likely to be disruptive. The variant was absent in 250530 control chromosomes. The available data on variant occurrences in the general population are insufficient to allow any conclusion about variant significance. To our knowledge, no occurrence of c.1256G>T in individuals affected with NOTCH3-related conditions and no experimental evidence demonstrating its impact on protein function have been reported. No submitters have cited clinical-significance assessments for this variant to ClinVar. Based on the evidence outlined above, the variant was classified as uncertain significance.

NM_000435.3(NOTCH3):c.1256G>T (p.Cys419Phe)

Gene: NOTCH3 (notch receptor 3; minus strand). Cytogenetic location: 19p13.12.
Variant type: single nucleotide variant.
Coding change: c.1256G>T on transcript NM_000435.3 (MANE Select); coding-DNA position 1256, G replaced by T.
Protein change: p.Cys419Phe; replaces cysteine 419 with phenylalanine.
Molecular consequence: missense variant.
Genome position (GRCh38, 1-based): chr19:15,189,111, C>A on the plus strand (G>T on the coding strand, the complement: NOTCH3 is on the minus strand). VCF-style: chr19-15189111-C-A. GRCh37 (hg19) VCF-style: chr19-15299922-C-A.
Other names: short protein forms C419F.
Identifiers: ClinVar variation 4847974 (VCV004847974.1).